The following is an entry in ClinVar:

NM_000140.5(FECH):c.400del (p.Ile134fs)

Gene: FECH (ferrochelatase; minus strand). Cytogenetic location: 18q21.31.
Variant type: Deletion.
Coding change: c.400del on transcript NM_000140.5 (MANE Select); coding-DNA position 400, one base deleted (A; older notation c.400delA).
Protein change: p.Ile134fs; shifts the reading frame from isoleucine 134.
Molecular consequence: frameshift variant.
Genome position (GRCh38, 1-based): chr18:57,571,455, T deleted on the plus strand (A on the coding strand, the reverse complement: FECH is on the minus strand). VCF-style (leftmost placement, unchanged base first): chr18-57571454-AT-A. GRCh37 (hg19) VCF-style: chr18-55238686-AT-A.
Other names: NP_000131.2:p.(Ile134Tyrfs*11); c.400del, p.Ile134fs (NM_001371094.1, NM_001374778.1); c.184del, p.Ile62fs (NM_001371095.1); c.418del, p.Ile140fs (NM_001012515.4); short protein forms I134fs, I140fs, I62fs.
Identifiers: ClinVar variation 3393344 (VCV003393344.2).

ClinVar aggregate classification (germline): Pathogenic (1 of 4 stars; one submission).

Conditions:
Protoporphyria, erythropoietic, 1 (EPP1). Also called: FERROCHELATASE DEFICIENCY; HEME SYNTHETASE DEFICIENCY; Erythropoietic Protoporphyria, Autosomal Recessive. Identifiers: Orphanet 79278, MedGen C4692546, MONDO:0008319, OMIM 177000.

Submission:

Paediatric Laboratory, Institute for Maternal and Child Health - IRCCS Burlo Garofolo
Classification: Pathogenic for Protoporphyria, erythropoietic, 1. Last evaluated: 2024-12-02. Review status: criteria provided, single submitter. Criteria: ACMG Guidelines, 2015. Collection method: clinical testing. Allele origin: germline. Affected: yes.
Comment: The NM_000140.5:c.400del variant is predicted to cause a frameshift, resulting in the formation of a premature stop codon. Loss-of-function is a well-established pathogenic mechanism for the FECH gene [PVS1]. This variant is present in only one individual in the gnomAD v4.1.0 population database, in the heterozygous state [PM2]. Furthermore, the variant has been previously reported in individuals with erythropoietic protoporphyria (PMID:9347801; PMID:33021473) [PP5].

Literature cited by the submitters: PubMed 9347801; PubMed 33021473.